The following is an entry in ClinVar:

ClinVar aggregate classification (germline): Pathogenic (1 of 4 stars; one submission).

Allele frequency attached by ClinVar (database versions not stated): TOPMed below 0.00001; gnomAD 0.00001.
gnomAD v4.1: 1 of 1,611,140 alleles (0.000062%); highest among the groups gnomAD compares: African/African-American, 0.0013%; no homozygotes.

Submission:

Labcorp Genetics (formerly Invitae), Labcorp
Classification: Pathogenic. Last evaluated: 2022-06-03. Review status: criteria provided, single submitter. Criteria: Invitae Variant Classification Sherloc (09022015). Collection method: clinical testing. Allele origin: germline.
Comment: This variant is not present in population databases (gnomAD no frequency). For these reasons, this variant has been classified as Pathogenic. This variant has not been reported in the literature in individuals affected with HSPG2-related conditions. This sequence change creates a premature translational stop signal (p.Tyr1152*) in the HSPG2 gene. It is expected to result in an absent or disrupted protein product. Loss-of-function variants in HSPG2 are known to be pathogenic (PMID: 11279527, 16927315, 20542149, 23836246).

Literature cited by the submitters: PubMed 11279527; PubMed 16927315; PubMed 20542149; PubMed 23836246.

NM_005529.7(HSPG2):c.3456C>G (p.Tyr1152Ter)

Gene: HSPG2 (heparan sulfate proteoglycan 2; minus strand). Cytogenetic location: 1p36.12.
Variant type: single nucleotide variant.
Coding change: c.3456C>G on transcript NM_005529.7 (MANE Select); coding-DNA position 3456, C replaced by G.
Protein change: p.Tyr1152Ter; replaces tyrosine 1152 with a stop codon.
Molecular consequence: nonsense.
Genome position (GRCh38, 1-based): chr1:21,874,688, G>C on the plus strand (C>G on the coding strand, the complement: HSPG2 is on the minus strand). VCF-style: chr1-21874688-G-C. GRCh37 (hg19) VCF-style: chr1-22201181-G-C.
Other names: c.3459C>G, p.Tyr1153Ter (NM_001291860.2); short protein forms Y1152*, Y1153*.
Identifiers: ClinVar variation 2002264 (VCV002002264.4), dbSNP rs888647994, ClinGen allele CA19145817.